The following is an entry in ClinVar:

ClinVar aggregate classification (germline): Pathogenic/Likely pathogenic. Review status: criteria provided, multiple submitters, no conflicts (2 of 4 stars). 2 submissions from 2 submitters: Pathogenic (1); Likely pathogenic (1). Last evaluated 2023-06-03.

Conditions:
Retinitis pigmentosa 25 (RP25). Identifiers: Orphanet 791, MedGen C1864446, MONDO:0011272, OMIM 602772.

Submissions (2):

Baylor Genetics
Classification: Likely pathogenic for Retinitis pigmentosa 25. Last evaluated: 2023-06-03. Review status: criteria provided, single submitter. Criteria: ACMG Guidelines, 2015. Collection method: clinical testing. Allele origin: unknown.

Labcorp Genetics (formerly Invitae), Labcorp
Classification: Pathogenic. Last evaluated: 2022-08-07. Review status: criteria provided, single submitter. Criteria: Invitae Variant Classification Sherloc (09022015). Collection method: clinical testing. Allele origin: germline.
Comment: For these reasons, this variant has been classified as Pathogenic. This variant has not been reported in the literature in individuals affected with EYS-related conditions. This variant is not present in population databases (gnomAD no frequency). This sequence change creates a premature translational stop signal (p.Gln2267*) in the EYS gene. It is expected to result in an absent or disrupted protein product. Loss-of-function variants in EYS are known to be pathogenic (PMID: 18836446, 20333770).

Literature cited by the submitters: PubMed 18836446 (cited by Labcorp Genetics (formerly Invitae), Labcorp); PubMed 20333770 (cited by Labcorp Genetics (formerly Invitae), Labcorp).

NM_001142800.2(EYS):c.6799C>T (p.Gln2267Ter)

Gene: EYS (EGF-like photoreceptor maintenance factor; minus strand). Cytogenetic location: 6q12.
Variant type: single nucleotide variant.
Coding change: c.6799C>T on transcript NM_001142800.2 (MANE Select); coding-DNA position 6799, C replaced by T.
Protein change: p.Gln2267Ter; replaces glutamine 2267 with a stop codon.
Molecular consequence: nonsense.
Genome position (GRCh38, 1-based): chr6:63,999,110, G>A on the plus strand (C>T on the coding strand, the complement: EYS is on the minus strand). VCF-style: chr6-63999110-G-A. GRCh37 (hg19) VCF-style: chr6-64709003-G-A.
Other names: c.6799C>T, p.Gln2267Ter (NM_001292009.2); short protein forms Q2267*.
Identifiers: ClinVar variation 1913210 (VCV001913210.6), dbSNP rs2533373825, ClinGen allele CA364389593.
Genomic context (GRCh38, chr6:63,999,110, plus strand): 5'-TGGAACTGGATATTTGCATACCTACCTGAGAGGCATGGGAAATCTCTGTGTCTTTCTTCT[G>A]TACTGGAGGTTTTCCATCTGCAGTCATTTCAATCATACAAACAACTCCAGGGCTGCCAAC-3'